The following is an entry in ClinVar:

ClinVar aggregate classification (germline): Uncertain significance (1 of 4 stars; one submission).

Conditions:
Christianson syndrome (MRXSCH). Also called: X-linked mental retardation, syndromic, Christianson type; INTELLECTUAL DEVELOPMENTAL DISORDER, X-LINKED, SYNDROMIC, CHRISTIANSON TYPE; SLC9A6-Related Syndromic Mental Retardation. Identifiers: Orphanet 85278, MedGen C2678194, MONDO:0010278, OMIM 300243.

Allele frequency attached by ClinVar (database versions not stated): gnomAD exomes below 0.00001.
gnomAD v4.1: 2 of 1,210,634 alleles (0.00017%); highest among the groups gnomAD compares: Admixed American, 0.0043%; no homozygotes.

Submission:

Labcorp Genetics (formerly Invitae), Labcorp
Classification: Uncertain significance for Christianson syndrome. Last evaluated: 2022-08-21. Review status: criteria provided, single submitter. Criteria: Invitae Variant Classification Sherloc (09022015). Collection method: clinical testing. Allele origin: germline.
Comment: In summary, the available evidence is currently insufficient to determine the role of this variant in disease. Therefore, it has been classified as a Variant of Uncertain Significance. Algorithms developed to predict the effect of missense changes on protein structure and function are either unavailable or do not agree on the potential impact of this missense change (SIFT: "Deleterious"; PolyPhen-2: "Benign"; Align-GVGD: "Class C0"). ClinVar contains an entry for this variant (Variation ID: 834464). This variant has not been reported in the literature in individuals affected with SLC9A6-related conditions. This variant is not present in population databases (gnomAD no frequency). This sequence change replaces phenylalanine, which is neutral and non-polar, with cysteine, which is neutral and slightly polar, at codon 635 of the SLC9A6 protein (p.Phe635Cys).

NM_001379110.1(SLC9A6):c.1934T>G (p.Phe645Cys)

Gene: SLC9A6 (solute carrier family 9 member A6; plus strand). Cytogenetic location: Xq26.3.
Variant type: single nucleotide variant.
Coding change: c.1934T>G on transcript NM_001379110.1 (MANE Select); coding-DNA position 1934, T replaced by G.
Protein change: p.Phe645Cys; replaces phenylalanine 645 with cysteine.
Molecular consequence: missense variant.
Genome position (GRCh38, 1-based): chrX:136,044,618, T>G. VCF-style: chrX-136044618-T-G. GRCh37 (hg19) VCF-style: chrX-135126777-T-G.
Other names: c.2000T>G, p.Phe667Cys (NM_001042537.2); c.1844T>G, p.Phe615Cys (NM_001177651.2); c.1748T>G, p.Phe583Cys (NM_001330652.2); c.1904T>G, p.Phe635Cys (NM_006359.3); short protein forms F583C, F635C, F667C, F615C, F645C.
Identifiers: ClinVar variation 834464 (VCV000834464.10), dbSNP rs2071567769, ClinGen allele CA414757131.